The following is an entry in ClinVar:

NM_000038.6(APC):c.5318C>T (p.Thr1773Ile)

Gene: APC (APC regulator of Wnt signaling pathway; plus strand). Cytogenetic location: 5q22.2.
Variant type: single nucleotide variant.
Coding change: c.5318C>T on transcript NM_000038.6 (MANE Select); coding-DNA position 5318, C replaced by T.
Protein change: p.Thr1773Ile; replaces threonine 1773 with isoleucine.
Molecular consequence: missense variant.
Genome position (GRCh38, 1-based): chr5:112,840,912, C>T. VCF-style: chr5-112840912-C-T. GRCh37 (hg19) VCF-style: chr5-112176609-C-T.
Other names: c.5318C>T, p.Thr1773Ile (NM_001127510.3, NM_001354895.2); c.5264C>T, p.Thr1755Ile (NM_001127511.3); c.5372C>T, p.Thr1791Ile (NM_001354896.2); c.5348C>T, p.Thr1783Ile (NM_001354897.2); c.5243C>T, p.Thr1748Ile (NM_001354898.2); c.5234C>T, p.Thr1745Ile (NM_001354899.2); c.5195C>T, p.Thr1732Ile (NM_001354900.2); c.5141C>T, p.Thr1714Ile (NM_001354901.2); and 5 more; short protein forms T1755I, T1773I, T1714I, T1745I, T1490I, T1613I, T1647I, T1672I.
Identifiers: ClinVar variation 469997 (VCV000469997.13), dbSNP rs1554086634, ClinGen allele CA16032962.
Genomic context (GRCh38, chr5:112,840,912, plus strand): 5'-CATCTGCGTCTTCTTCTGCACCCAACAAAAATCAGTTAGATGGTAAGAAAAAGAAACCAA[C>T]TTCACCAGTAAAACCTATACCACAAAATACTGAATATAGGACACGTGTAAGAAAAAATGC-3'
Protein context (NP_000029.2, residues 1763-1783): NQLDGKKKKP[Thr1773Ile]SPVKPIPQNT

ClinVar aggregate classification (germline): Uncertain significance. Review status: criteria provided, multiple submitters, no conflicts (2 of 4 stars). 2 submissions from 2 submitters: Uncertain significance (2). Last evaluated 2023-05-16.

Conditions:
Hereditary cancer-predisposing syndrome. Also called: Hereditary neoplastic syndrome; Neoplastic Syndromes, Hereditary; Tumor predisposition; Hereditary Cancer Syndrome. Identifiers: Orphanet 140162, MedGen C0027672, MeSH D009386, MONDO:0015356.
Familial adenomatous polyposis 1 (FAP1). Also called: POLYPOSIS, ADENOMATOUS INTESTINAL; FAMILIAL ADENOMATOUS POLYPOSIS 1, ATTENUATED. Identifiers: MedGen C2713442, MONDO:0021056, OMIM 175100. Disease mechanism: loss of function.

Submissions (2):

Ambry Genetics
Classification: Uncertain significance for Hereditary cancer-predisposing syndrome. Last evaluated: 2023-05-16. Review status: criteria provided, single submitter. Criteria: Ambry Variant Classification Scheme 2023. Collection method: clinical testing. Allele origin: germline.
Comment: The p.T1773I variant (also known as c.5318C>T), located in coding exon 15 of the APC gene, results from a C to T substitution at nucleotide position 5318. The threonine at codon 1773 is replaced by isoleucine, an amino acid with similar properties. This amino acid position is highly conserved in available vertebrate species. In addition, in silico predictors for this gene do not accurately predict pathogenicity. Since supporting evidence is limited at this time, the clinical significance of this alteration remains unclear.

Labcorp Genetics (formerly Invitae), Labcorp
Classification: Uncertain significance for Familial adenomatous polyposis 1. Last evaluated: 2017-02-15. Review status: criteria provided, single submitter. Criteria: Invitae Variant Classification Sherloc (09022015). Collection method: clinical testing. Allele origin: germline.
Comment: In summary, this variant is a novel missense change with uncertain impact on protein function. It has been classified as a Variant of Uncertain Significance. Algorithms developed to predict the effect of missense changes on protein structure and function do not agree on the potential impact of this missense change (SIFT: "Deleterious"; PolyPhen-2: "Probably Damaging"; Align-GVGD: "Class C0"). This variant is not present in population databases (ExAC no frequency) and has not been reported in the literature in individuals with an APC-related disease. This sequence change replaces threonine with isoleucine at codon 1773 of the APC protein (p.Thr1773Ile). The threonine residue is highly conserved and there is a moderate physicochemical difference between threonine and isoleucine.